The following is an entry in ClinVar:

ClinVar aggregate classification (germline): Conflicting classifications of pathogenicity. Review status: criteria provided, conflicting classifications (1 of 4 stars). 2 submissions from 1 submitter: Uncertain significance (1); Benign (1). Last evaluated 2018-01-13.

Conditions:
Optic atrophy 3 (OPA3). Also called: OPTIC ATROPHY 3, AUTOSOMAL DOMINANT; Optic atrophy, cataract, and neurologic disorder; Optic atrophy 3 with cataract. Identifiers: Orphanet 67036, MedGen C1833809, MONDO:0008133, OMIM 165300.
3-Methylglutaconic aciduria type 3 (MGCA3). Also called: OPA3, AUTOSOMAL RECESSIVE; OPTIC ATROPHY 3, AUTOSOMAL RECESSIVE; Costeff Syndrome; OPA3-Related 3-Methylglutaconic Aciduria. Identifiers: Orphanet 67047, MedGen C0574084, MONDO:0009787, OMIM 258501.

Allele frequency attached by ClinVar (database versions not stated): 1000 Genomes Project 0.00060; TOPMed 0.00157; 1000 Genomes Project 30x 0.00062; gnomAD 0.00102.

Submissions (2):

Illumina Laboratory Services, Illumina
Classification: Uncertain significance for 3-Methylglutaconic aciduria type 3. Last evaluated: 2018-01-13. Review status: criteria provided, single submitter. Criteria: ICSL Variant Classification Criteria 13 December 2019. Collection method: clinical testing. Allele origin: germline.

Illumina Laboratory Services, Illumina
Classification: Benign for Optic atrophy 3. Last evaluated: 2018-01-13. Review status: criteria provided, single submitter. Criteria: ICSL Variant Classification Criteria 13 December 2019. Collection method: clinical testing. Allele origin: germline.
Comment: This variant was observed in the ICSL laboratory as part of a predisposition screen in an ostensibly healthy population. It had not been previously curated by ICSL or reported in the Human Gene Mutation Database (HGMD: prior to June 1st, 2018), and was therefore a candidate for classification through an automated scoring system. Utilizing variant allele frequency, disease prevalence and penetrance estimates, and inheritance mode, an automated score was calculated to assess if this variant is too frequent to cause the disease. Based on the score and internal cut-off values, a variant classified as benign is not then subjected to further curation. The score for this variant resulted in a classification of benign for this disease.

NM_025136.4(OPA3):c.*6688G>A

Genes: OPA3 (outer mitochondrial membrane lipid metabolism regulator OPA3; minus strand), OPA3-RTN2 (OPA3-RTN2 readthrough; minus strand). Cytogenetic location: 19q13.32.
Variant type: single nucleotide variant.
Coding change: c.*6688G>A on transcript NM_025136.4 (MANE Select); 6688 bases downstream of the stop codon, G replaced by A.
Molecular consequence: 3 prime UTR variant. On other transcripts: intron variant (1).
Genome position (GRCh38, 1-based): chr19:45,546,826, C>T on the plus strand (G>A on the coding strand, the complement: OPA3 is on the minus strand). VCF-style: chr19-45546826-C-T. GRCh37 (hg19) VCF-style: chr19-46050084-C-T.
Other names: c.143-17370G>A (NM_001017989.3).
Identifiers: ClinVar variation 329559 (VCV000329559.5), dbSNP rs181576269, ClinGen allele CA10652081.